The following is an entry in ClinVar:

NM_001128205.2(SULF1):c.669G>T (p.Ala223=)

Gene: SULF1 (sulfatase 1; plus strand). Cytogenetic location: 8q13.2.
Variant type: single nucleotide variant.
Coding change: c.669G>T on transcript NM_001128205.2 (MANE Select); coding-DNA position 669, G replaced by T.
Protein change: p.Ala223=; no amino-acid change (alanine 223 retained).
Molecular consequence: synonymous variant. On other transcripts: non-coding transcript variant (2).
Genome position (GRCh38, 1-based): chr8:69,589,076, G>T. VCF-style: chr8-69589076-G-T. GRCh37 (hg19) VCF-style: chr8-70501311-G-T.
Other names: c.669G>T, p.Ala223= (NM_001128204.2, NM_001128206.2, NM_015170.3).
Identifiers: ClinVar variation 498523 (VCV000498523.33), dbSNP rs111474126, ClinGen allele CA4775633.
Genomic context (GRCh38, chr8:69,589,076, plus strand): 5'-CAAAATGTCTAAGAGAATGTATCCCCATAGGCCCGTTATGATGGTGATCAGCCACGCTGC[G>T]CCCCACGGCCCCGAGGACTCAGCCCCACAGTTTTCTAAACTGTACCCCAATGCTTCCCAA-3'
Protein context (NP_001121677.1, residues 213-233): RPVMMVISHA[Ala223=]PHGPEDSAPQ

ClinVar aggregate classification (germline): Benign/Likely benign. Review status: criteria provided, multiple submitters, no conflicts (2 of 4 stars). 4 submissions from 4 submitters: Benign (1); Likely benign (3). Last evaluated 2026-01-26.

Allele frequency attached by ClinVar (database versions not stated): gnomAD 0.00270 and 0.00263; TOPMed 0.00313; ESP Exome Variant Server 0.00361; 1000 Genomes Project 30x 0.00141; 1000 Genomes Project 0.00160.
gnomAD v4.1: 6,859 of 1,614,050 alleles (0.42%); highest among the groups gnomAD compares: Non-Finnish European, 0.55%; 25 homozygotes.

Submissions (4):

Labcorp Genetics (formerly Invitae), Labcorp
Classification: Benign. Last evaluated: 2026-01-26. Review status: criteria provided, single submitter. Criteria: Invitae Variant Classification Sherloc (09022015). Collection method: clinical testing. Allele origin: germline.

CeGaT Center for Human Genetics Tuebingen
Classification: Likely benign. Last evaluated: 2025-12-01. Review status: criteria provided, single submitter. Criteria: CeGaT Center For Human Genetics Tuebingen Variant Classification Criteria Version 2. Collection method: clinical testing. Allele origin: germline. Affected: yes. Observed: 2 variant alleles.
Comment: SULF1: BP4, BP7, BS2

Eurofins Ntd Llc (ga)
Classification: Likely benign. Last evaluated: 2016-11-28. Review status: criteria provided, single submitter. Criteria: EGL Classification Definitions 2015. Collection method: clinical testing. Allele origin: germline. Observed: 1 variant allele, 1 heterozygote.

Breakthrough Genomics
Classification: Likely benign. Review status: criteria provided, single submitter. Criteria: ACMG Guidelines, 2015. Collection method: not provided. Allele origin: germline. Inheritance: Unknown mechanism. Affected: yes.